The following is an entry in ClinVar:

ClinVar aggregate classification (germline): Uncertain significance (1 of 4 stars; one submission).

Conditions:
Malignant hyperthermia, susceptibility to, 1 (MHS1). Also called: RYR1-Related Malignant Hyperthermia Susceptibility; Malignant hyperthermia suceptibility 1; Anesthesia related hyperthermia; Malignant hyperpyrexia; Fulminating hyperpyrexia; Pharmacogenic myopathy. Identifiers: Orphanet 423, MedGen C2930980, MONDO:0007783, OMIM 145600.

gnomAD v4.1: 2 of 1,559,952 alleles (0.00013%); highest among the groups gnomAD compares: Non-Finnish European, 0.00017%; no homozygotes.

Submission:

Color Diagnostics, LLC DBA Color Health
Classification: Uncertain significance for Malignant hyperthermia, susceptibility to, 1. Last evaluated: 2025-11-03. Review status: criteria provided, single submitter. Criteria: ACMG Guidelines, 2015. Collection method: clinical testing. Allele origin: germline.
Comment: This missense variant replaces arginine with serine at codon 1583 of the RYR1 protein. Computational prediction is inconclusive regarding the impact of this variant on protein structure and function. To our knowledge, functional studies have not been reported for this variant. This variant has not been reported in individuals affected with RYR1-related disorders in the literature. This variant has been identified in 2/1407652 chromosomes in the general population by the Genome Aggregation Database (gnomAD). The available evidence is insufficient to determine the role of this variant in disease conclusively. Therefore, this variant is classified as a Variant of Uncertain Significance.

NM_000540.3(RYR1):c.4747C>A (p.Arg1583Ser)

Gene: RYR1 (ryanodine receptor 1; plus strand). Cytogenetic location: 19q13.2.
Variant type: single nucleotide variant.
Coding change: c.4747C>A on transcript NM_000540.3 (MANE Select); coding-DNA position 4747, C replaced by A.
Protein change: p.Arg1583Ser; replaces arginine 1583 with serine.
Molecular consequence: missense variant.
Genome position (GRCh38, 1-based): chr19:38,483,329, C>A. VCF-style: chr19-38483329-C-A. GRCh37 (hg19) VCF-style: chr19-38973969-C-A.
Other names: c.4747C>A, p.Arg1583Ser (NM_001042723.2); short protein forms R1583S.
Identifiers: ClinVar variation 4758269 (VCV004758269.1).